The following is an entry in ClinVar:

NM_003070.5(SMARCA2):c.3282A>G (p.Leu1094=)

Gene: SMARCA2 (SWI/SNF related BAF chromatin remodeling complex subunit ATPase 2; plus strand). Cytogenetic location: 9p24.3.
Variant type: single nucleotide variant.
Coding change: c.3282A>G on transcript NM_003070.5 (MANE Select); coding-DNA position 3282, A replaced by G.
Protein change: p.Leu1094=; no amino-acid change (leucine 1094 retained).
Molecular consequence: synonymous variant.
Genome position (GRCh38, 1-based): chr9:2,104,159, A>G. VCF-style: chr9-2104159-A-G. GRCh37 (hg19) VCF-style: chr9-2104159-A-G.
Other names: p.Leu1094=; c.3282A>G, p.Leu1094= (NM_001289396.2, NM_139045.4); c.3108A>G, p.Leu1036= (NM_001289397.2).
Identifiers: ClinVar variation 588468 (VCV000588468.30), dbSNP rs140418138, ClinGen allele CA4963724.

ClinVar aggregate classification (germline): Benign/Likely benign. Review status: criteria provided, multiple submitters, no conflicts (2 of 4 stars). 7 submissions from 7 submitters: Benign (3); Likely benign (4). Last evaluated 2026-07-01.

Conditions:
Inborn genetic diseases. Identifiers: MedGen C0950123, MeSH D030342.

Allele frequency attached by ClinVar (database versions not stated): ExAC 0.00038; gnomAD exomes 0.00040 and 0.00014; gnomAD 0.00068 and 0.00073; ESP Exome Variant Server 0.00077; TOPMed 0.00082; 1000 Genomes Project 30x 0.00016; 1000 Genomes Project 0.00020.
gnomAD v4.1: 335 of 1,613,778 alleles (0.021%); highest among the groups gnomAD compares: Middle Eastern, 0.21%; 1 homozygote.

Submissions (7):

CeGaT Center for Human Genetics Tuebingen
Classification: Likely benign. Last evaluated: 2026-07-01. Review status: criteria provided, single submitter. Criteria: CeGaT Center For Human Genetics Tuebingen Variant Classification Criteria Version 2. Collection method: clinical testing. Allele origin: germline. Affected: yes. Observed: 3 variant alleles.
Comment: SMARCA2: BP4, BP7, BS1

Labcorp Genetics (formerly Invitae), Labcorp
Classification: Benign. Last evaluated: 2025-12-13. Review status: criteria provided, single submitter. Criteria: Invitae Variant Classification Sherloc (09022015). Collection method: clinical testing. Allele origin: germline.

Mayo Clinic Laboratories, Mayo Clinic
Classification: Benign. Last evaluated: 2024-11-22. Review status: criteria provided, single submitter. Criteria: ACMG Guidelines, 2015. Collection method: clinical testing. Allele origin: germline. Observed: 1 variant allele.
Comment: BS1, BS2, BP4, BP7

Blueprint Genetics
Classification: Likely benign. Last evaluated: 2024-10-09. Review status: criteria provided, single submitter. Criteria: ACMG Guidelines, 2015. Collection method: clinical testing. Allele origin: germline.

GeneDx
Classification: Benign. Last evaluated: 2019-07-08. Review status: criteria provided, single submitter. Criteria: GeneDx Variant Classification Process June 2021. Collection method: clinical testing. Allele origin: germline. Affected: yes.

Ambry Genetics
Classification: Likely benign for Inborn genetic diseases. Last evaluated: 2016-11-01. Review status: criteria provided, single submitter. Criteria: Ambry Variant Classification Scheme 2023. Collection method: clinical testing. Allele origin: germline.

Breakthrough Genomics
Classification: Likely benign. Review status: criteria provided, single submitter. Criteria: ACMG Guidelines, 2015. Collection method: not provided. Allele origin: germline. Inheritance: Autosomal dominant inheritance. Affected: yes.